The following is an entry in ClinVar:

NM_004385.5(VCAN):c.4569A>G (p.Thr1523=)

Genes: VCAN (versican; plus strand), VCAN-AS1 (VCAN antisense RNA 1; minus strand). Cytogenetic location: 5q14.3.
Variant type: single nucleotide variant.
Coding change: c.4569A>G on transcript NM_004385.5 (MANE Select); coding-DNA position 4569, A replaced by G.
Protein change: p.Thr1523=; no amino-acid change (threonine 1523 retained).
Molecular consequence: synonymous variant. On other transcripts: intron variant (2).
Genome position (GRCh38, 1-based): chr5:83,537,572, A>G. VCF-style: chr5-83537572-A-G. GRCh37 (hg19) VCF-style: chr5-82833391-A-G.
Other names: c.1608A>G, p.Thr536= (NM_001164097.2); c.4004-7965A>G (NM_001164098.2); c.1043-7965A>G (NM_001126336.3).
Identifiers: ClinVar variation 259366 (VCV000259366.16), dbSNP rs16900528, ClinGen allele CA3333193.

ClinVar aggregate classification (germline): Benign. Review status: criteria provided, multiple submitters, no conflicts (2 of 4 stars). 4 submissions from 4 submitters: Benign (4). Last evaluated 2026-02-03.

Conditions:
Vitreoretinopathy. Also called: Vitreoretinal degeneration. Identifiers: MedGen C0344290, MONDO:0020248, HP:0007773.

Allele frequency attached by ClinVar (database versions not stated): 1000 Genomes Project 30x 0.05403; 1000 Genomes Project 0.05751; TOPMed 0.05962; ESP Exome Variant Server 0.06197; gnomAD 0.06757 and 0.06785; gnomAD exomes 0.07691 and 0.08347; ExAC 0.07713.
gnomAD v4.1: 132,252 of 1,613,190 alleles (8.2%); highest among the groups gnomAD compares: South Asian, 9.1%; 5,831 homozygotes.

Submissions (4):

Labcorp Genetics (formerly Invitae), Labcorp
Classification: Benign. Last evaluated: 2026-02-03. Review status: criteria provided, single submitter. Criteria: Invitae Variant Classification Sherloc (09022015). Collection method: clinical testing. Allele origin: germline.

GeneDx
Classification: Benign. Last evaluated: 2021-05-05. Review status: criteria provided, single submitter. Criteria: GeneDx Variant Classification Process June 2021. Collection method: clinical testing. Allele origin: germline. Affected: yes.

Illumina Laboratory Services, Illumina
Classification: Benign for Vitreoretinopathy. Last evaluated: 2018-01-12. Review status: criteria provided, single submitter. Criteria: ICSL Variant Classification Criteria 13 December 2019. Collection method: clinical testing. Allele origin: germline.
Comment: This variant was observed in the ICSL laboratory as part of a predisposition screen in an ostensibly healthy population. It had not been previously curated by ICSL or reported in the Human Gene Mutation Database (HGMD: prior to June 1st, 2018), and was therefore a candidate for classification through an automated scoring system. Utilizing variant allele frequency, disease prevalence and penetrance estimates, and inheritance mode, an automated score was calculated to assess if this variant is too frequent to cause the disease. Based on the score and internal cut-off values, a variant classified as benign is not then subjected to further curation. The score for this variant resulted in a classification of benign for this disease.

PreventionGenetics, part of Exact Sciences
Classification: Benign. Review status: criteria provided, single submitter. Criteria: ACMG Guidelines, 2015. Collection method: clinical testing. Allele origin: germline.